The following is an entry in ClinVar:

ClinVar aggregate classification (germline): Benign. Review status: criteria provided, multiple submitters, no conflicts (2 of 4 stars). 7 submissions from 7 submitters: Benign (7). Last evaluated 2026-04-01.

Conditions:
Obesity due to leptin receptor gene deficiency. Identifiers: Orphanet 179494, MedGen C3554225, MONDO:0013992, OMIM 614963.
Monogenic diabetes. Identifiers: Orphanet 183625, MedGen C3888631, MONDO:0015967.

Allele frequency attached by ClinVar (database versions not stated): gnomAD exomes 0.00251; ExAC 0.00320; gnomAD 0.00973 and 0.01048; 1000 Genomes Project 0.00978; 1000 Genomes Project 30x 0.01077; TOPMed 0.01139; ESP Exome Variant Server 0.01284.
gnomAD v4.1: 2,809 of 1,614,158 alleles (0.17%); highest among the groups gnomAD compares: African/African-American, 3.4%; 42 homozygotes.

Submissions (7):

CeGaT Center for Human Genetics Tuebingen
Classification: Benign. Last evaluated: 2026-04-01. Review status: criteria provided, single submitter. Criteria: CeGaT Center For Human Genetics Tuebingen Variant Classification Criteria Version 2. Collection method: clinical testing. Allele origin: germline. Affected: yes. Observed: 2 variant alleles.
Comment: LEPR: BS1, BS2

Labcorp Genetics (formerly Invitae), Labcorp
Classification: Benign. Last evaluated: 2026-01-18. Review status: criteria provided, single submitter. Criteria: Invitae Variant Classification Sherloc (09022015). Collection method: clinical testing. Allele origin: germline.

Athena Diagnostics
Classification: Benign. Last evaluated: 2023-11-21. Review status: criteria provided, single submitter. Criteria: Athena Diagnostics Criteria. Collection method: clinical testing. Allele origin: unknown.

GeneDx
Classification: Benign. Last evaluated: 2021-05-11. Review status: criteria provided, single submitter. Criteria: GeneDx Variant Classification Process June 2021. Collection method: clinical testing. Allele origin: germline. Affected: yes.

Personalized Diabetes Medicine Program, University of Maryland School of Medicine
Classification: Benign for Monogenic diabetes. Last evaluated: 2018-12-21. Review status: criteria provided, single submitter. Criteria: ACMG Guidelines, 2015. Collection method: research. Allele origin: unknown. Observed: 8 variant alleles, 7 heterozygotes, 1 homozygote.
Comment: ACMG criteria: BA1 (3.6% in Africans in gnomAD), BS2 (15 homozygotes in gnomAD)= benign (BP4/3 predictors + PP3/7 predictors + REVEL: 0.271: conflicting evidence, not using)

Illumina Laboratory Services, Illumina
Classification: Benign for Obesity due to leptin receptor gene deficiency. Last evaluated: 2017-04-27. Review status: criteria provided, single submitter. Criteria: ICSL Variant Classification Criteria 13 December 2019. Collection method: clinical testing. Allele origin: germline.
Comment: This variant was observed as part of a predisposition screen in an ostensibly healthy population. A literature search was performed for the gene, cDNA change, and amino acid change (where applicable). No publications were found based on this search. Allele frequency data from public databases was too high to be consistent with this variant causing disease. Therefore, this variant is classified as benign.

Breakthrough Genomics
Classification: Benign. Review status: criteria provided, single submitter. Criteria: ACMG Guidelines, 2015. Collection method: not provided. Allele origin: germline. Inheritance: Autosomal recessive inheritance. Affected: yes.

Literature cited by the submitters: PubMed 34097736 (cited by Athena Diagnostics); PubMed 33660144 (cited by Athena Diagnostics); PubMed 31237021 (cited by Athena Diagnostics); PubMed 23760429 (cited by Athena Diagnostics); PubMed 21393862 (cited by Athena Diagnostics).

NM_002303.6(LEPR):c.2096C>T (p.Thr699Met)

Genes: LEPR (leptin receptor; plus strand), LOC122094844 (Sharpr-MPRA regulatory region 5730; plus strand). Cytogenetic location: 1p31.3.
Variant type: single nucleotide variant.
Coding change: c.2096C>T on transcript NM_002303.6 (MANE Select); coding-DNA position 2096, C replaced by T.
Protein change: p.Thr699Met; replaces threonine 699 with methionine.
Molecular consequence: missense variant.
Genome position (GRCh38, 1-based): chr1:65,616,108, C>T. VCF-style: chr1-65616108-C-T. GRCh37 (hg19) VCF-style: chr1-66081791-C-T.
Other names: c.2096C>T, p.Thr699Met (NM_001198687.2, NM_001003679.3, NM_001003680.3 and 2 more transcripts); short protein forms T699M.
Identifiers: ClinVar variation 393364 (VCV000393364.25), dbSNP rs34499590, ClinGen allele CA894949.